The following is an entry in ClinVar:

ClinVar aggregate classification (germline): Likely benign (0 of 4 stars; one submission).

Conditions:
AFF4-related disorder. Also called: AFF4-related condition.

gnomAD v4.1: 1 of 1,613,980 alleles (0.000062%); highest among the groups gnomAD compares: African/African-American, 0.0013%; no homozygotes.

Submission:

PreventionGenetics, part of Exact Sciences
Classification: Likely benign for AFF4-related condition. Last evaluated: 2023-12-27. Review status: no assertion criteria provided. Collection method: clinical testing. Allele origin: germline.
Comment: This variant is classified as likely benign based on ACMG/AMP sequence variant interpretation guidelines (Richards et al. 2015 PMID: 25741868, with internal and published modifications).

NM_014423.4(AFF4):c.2454T>C (p.Pro818=)

Gene: AFF4 (ALF transcription elongation factor 4; minus strand). Cytogenetic location: 5q31.1.
Variant type: single nucleotide variant.
Coding change: c.2454T>C on transcript NM_014423.4 (MANE Select); coding-DNA position 2454, T replaced by C.
Protein change: p.Pro818=; no amino-acid change (proline 818 retained).
Molecular consequence: synonymous variant.
Genome position (GRCh38, 1-based): chr5:132,892,347, A>G on the plus strand (T>C on the coding strand, the complement: AFF4 is on the minus strand). VCF-style: chr5-132892347-A-G. GRCh37 (hg19) VCF-style: chr5-132228039-A-G.
Identifiers: ClinVar variation 3354459 (VCV003354459.1).